The following is an entry in ClinVar:

ClinVar aggregate classification (germline): Uncertain significance. Review status: criteria provided, multiple submitters, no conflicts (2 of 4 stars). 2 submissions from 2 submitters: Uncertain significance (2). Last evaluated 2026-09-30.

gnomAD v4.1: 1 of 1,183,742 alleles (0.000084%); highest among the groups gnomAD compares: Non-Finnish European, 0.0001%; no homozygotes.

Submissions (2):

GeneDx
Classification: Uncertain significance. Last evaluated: 2026-09-30. Review status: criteria provided, single submitter. Criteria: GeneDx Variant Classification Process June 2021. Collection method: clinical testing. Allele origin: germline.
Comment: Not observed at significant frequency in large population cohorts (gnomAD); In silico analysis suggests that this missense variant does not alter protein structure/function; Has not been previously published as pathogenic or benign to our knowledge

Dasa
Classification: Uncertain significance. Last evaluated: 2025-01-22. Review status: criteria provided, single submitter. Criteria: DASA Assertion Criteria. Collection method: clinical testing. Allele origin: germline.
Comment: NM_021008.4(DEAF1):c.89C>G (p.Ala30Gly) is a missense variant that results in the substitution of alanine with glycine. This variant is rare in population databases. Computational prediction algorithms are consistent with a benign effect. The currently available literature and clinical evidence are not sufficient to establish a definitive association between this variant and the reported condition. Therefore, this variant is classified as a variant of uncertain significance.

NM_021008.4(DEAF1):c.89C>G (p.Ala30Gly)

Gene: DEAF1 (DEAF1 transcription factor; minus strand). Cytogenetic location: 11p15.5.
Variant type: single nucleotide variant.
Coding change: c.89C>G on transcript NM_021008.4 (MANE Select); coding-DNA position 89, C replaced by G.
Protein change: p.Ala30Gly; replaces alanine 30 with glycine.
Molecular consequence: missense variant. On other transcripts: intron variant (1).
Genome position (GRCh38, 1-based): chr11:694,959, G>C on the plus strand (C>G on the coding strand, the complement: DEAF1 is on the minus strand). VCF-style: chr11-694959-G-C. GRCh37 (hg19) VCF-style: chr11-694959-G-C.
Other names: c.89C>G, p.Ala30Gly (NM_001293634.2); c.-437-3361C>G (NM_001367390.1); short protein forms A30G.
Identifiers: ClinVar variation 3363524 (VCV003363524.4).
Genomic context (GRCh38, chr11:694,959, plus strand): 5'-TCCTCCGAGTCCTCGTCCCTGCTCAGCACCGGCTCCTCCGCCTCGCCTCCTGCCGCGGCC[G>C]CGGCCGCCGCCGCCACAGCGGCCGCGGCCGCCACCGCCGCCGCCTCAGCCAGGCCCAGCT-3'
Protein context (NP_066288.2, residues 20-40): AAAAAVAAAA[Ala30Gly]AAAGGEAEEP